The following is an entry in ClinVar:

ClinVar aggregate classification (germline): Uncertain significance (0 of 4 stars; one submission).

Submission:

Genetic Services Laboratory, University of Chicago
Classification: Uncertain significance. Last evaluated: 2022-06-13. Review status: no assertion criteria provided. Collection method: clinical testing. Allele origin: germline. Affected: no.
Comment: DNA sequence analysis of the RBBP6 gene demonstrated a deletion and insertion of two base pairs in intron 5, c.438-8_438-7delinsTT. This change does not appear to have been previously described in individuals with RBBP6-related disorders and has also not been described in the population databases such as gnomAD This sequence change is not predicted to have a deleterious effect on splicing based on in-silico splice prediction programs. It is possible that this sequence change represents a benign sequence change in the RBBP6 gene that has not been identified to date. The functional significance of this sequence change is not known at present and its contribution to this individual's disease phenotype cannot definitively be determined.

NM_006910.5(RBBP6):c.438-8_438-7delinsTT

Gene: RBBP6 (RB binding protein 6, ubiquitin ligase; plus strand). Cytogenetic location: 16p12.1.
Variant type: Indel.
Coding change: c.438-8_438-7delinsTT on transcript NM_006910.5 (MANE Select); 8 bases into the intron before coding-DNA position 438 through 7 bases into the intron before coding-DNA position 438, CC replaced by TT.
Molecular consequence: intron variant.
Genome position (GRCh38, 1-based): chr16:24,555,813-24,555,814, CC replaced by TT. VCF-style: chr16-24555813-CC-TT. GRCh37 (hg19) VCF-style: chr16-24567134-CC-TT.
Other names: c.438-8_438-7delinsTT (NM_018703.4).
Identifiers: ClinVar variation 2443239 (VCV002443239.2), dbSNP rs2544018613, ClinGen allele CA2580091276.